The following is an entry in ClinVar:

NM_000057.4(BLM):c.2686C>T (p.Leu896Phe)

Gene: BLM (BLM RecQ like helicase; plus strand). Cytogenetic location: 15q26.1.
Variant type: single nucleotide variant.
Coding change: c.2686C>T on transcript NM_000057.4 (MANE Select); coding-DNA position 2686, C replaced by T.
Protein change: p.Leu896Phe; replaces leucine 896 with phenylalanine.
Molecular consequence: missense variant.
Genome position (GRCh38, 1-based): chr15:90,784,944, C>T. VCF-style: chr15-90784944-C-T. GRCh37 (hg19) VCF-style: chr15-91328174-C-T.
Other names: c.2686C>T, p.Leu896Phe (NM_001287246.2, NM_001287247.2); c.1561C>T, p.Leu521Phe (NM_001287248.2); short protein forms L521F, L896F.
Identifiers: ClinVar variation 821663 (VCV000821663.13), dbSNP rs151309611, ClinGen allele CA7738856.

ClinVar aggregate classification (germline): Uncertain significance. Review status: criteria provided, multiple submitters, no conflicts (2 of 4 stars). 2 submissions from 2 submitters: Uncertain significance (2). Last evaluated 2024-12-20.

Conditions:
Hereditary cancer-predisposing syndrome. Also called: Tumor predisposition; Hereditary Cancer Syndrome; Neoplastic Syndromes, Hereditary; Hereditary neoplastic syndrome. Identifiers: Orphanet 140162, MedGen C0027672, MeSH D009386, MONDO:0015356.
Bloom syndrome (BLM). Also called: Bloom-Torre-Machacek syndrome. Identifiers: Orphanet 125, MedGen C0005859, MONDO:0008876, OMIM 210900.

Allele frequency attached by ClinVar (database versions not stated): gnomAD exomes below 0.00001; ExAC 0.00001; gnomAD 0.00001; TOPMed 0.00002; ESP Exome Variant Server 0.00008.
gnomAD v4.1: 3 of 1,613,682 alleles (0.00019%); highest among the groups gnomAD compares: African/African-American, 0.0013%; no homozygotes.

Submissions (2):

Ambry Genetics
Classification: Uncertain significance for Hereditary cancer-predisposing syndrome. Last evaluated: 2024-12-20. Review status: criteria provided, single submitter. Criteria: Ambry Variant Classification Scheme 2023. Collection method: clinical testing. Allele origin: germline.
Comment: The p.L896F variant (also known as c.2686C>T), located in coding exon 13 of the BLM gene, results from a C to T substitution at nucleotide position 2686. The leucine at codon 896 is replaced by phenylalanine, an amino acid with highly similar properties. This amino acid position is highly conserved in available vertebrate species. In addition, this alteration is predicted to be deleterious by in silico analysis. Since supporting evidence is limited at this time, the clinical significance of this alteration remains unclear.

Labcorp Genetics (formerly Invitae), Labcorp
Classification: Uncertain significance for Bloom syndrome. Last evaluated: 2024-03-06. Review status: criteria provided, single submitter. Criteria: Invitae Variant Classification Sherloc (09022015). Collection method: clinical testing. Allele origin: germline.
Comment: This sequence change replaces leucine, which is neutral and non-polar, with phenylalanine, which is neutral and non-polar, at codon 896 of the BLM protein (p.Leu896Phe). This variant is present in population databases (rs151309611, gnomAD 0.007%). This variant has not been reported in the literature in individuals affected with BLM-related conditions. ClinVar contains an entry for this variant (Variation ID: 821663). Advanced modeling of protein sequence and biophysical properties (such as structural, functional, and spatial information, amino acid conservation, physicochemical variation, residue mobility, and thermodynamic stability) performed at Invitae indicates that this missense variant is not expected to disrupt BLM protein function with a negative predictive value of 80%. In summary, the available evidence is currently insufficient to determine the role of this variant in disease. Therefore, it has been classified as a Variant of Uncertain Significance.